The following is an entry in ClinVar:

NM_019066.5(MAGEL2):c.235A>G (p.Met79Val)

Gene: MAGEL2 (MAGE family member L2; minus strand). Cytogenetic location: 15q11.2.
Variant type: single nucleotide variant.
Coding change: c.235A>G on transcript NM_019066.5 (MANE Select); coding-DNA position 235, A replaced by G.
Protein change: p.Met79Val; replaces methionine 79 with valine.
Molecular consequence: missense variant.
Genome position (GRCh38, 1-based): chr15:23,647,508, T>C on the plus strand (A>G on the coding strand, the complement: MAGEL2 is on the minus strand). VCF-style: chr15-23647508-T-C. GRCh37 (hg19) VCF-style: chr15-23892655-T-C.
Other names: short protein forms M79V.
Identifiers: ClinVar variation 2633159 (VCV002633159.1), dbSNP rs1449360839, ClinGen allele CA391337630.

ClinVar aggregate classification (germline): Uncertain significance (1 of 4 stars; one submission).

Conditions:
MAGEL2-related disorder. Also called: MAGEL2-related condition.

Allele frequency attached by ClinVar (database versions not stated): gnomAD 0.00001.
gnomAD v4.1: 2 of 1,530,616 alleles (0.00013%); highest among the groups gnomAD compares: African/African-American, 0.0014%; no homozygotes.

Submission:

PreventionGenetics, part of Exact Sciences
Classification: Uncertain significance for MAGEL2-related condition. Last evaluated: 2023-04-18. Review status: criteria provided, single submitter. Criteria: ACMG Guidelines, 2015. Collection method: clinical testing. Allele origin: germline.
Comment: The MAGEL2 c.235A>G variant is predicted to result in the amino acid substitution p.Met79Val. To our knowledge, this variant has not been reported in the literature. This variant is reported in 0.0065% of alleles in individuals of African descent in gnomAD. At this time, the clinical significance of this variant is uncertain due to the absence of conclusive functional and genetic evidence.